The following is an entry in ClinVar:

ClinVar aggregate classification (germline): Likely benign. Review status: criteria provided, multiple submitters, no conflicts (2 of 4 stars). 4 submissions from 4 submitters: Likely benign (4). Last evaluated 2025-12-15.

Conditions:
Catecholaminergic polymorphic ventricular tachycardia (CVPT). Also called: Catecholamine-induced polymorphic ventricular tachycardia. Identifiers: Orphanet 3286, MedGen C5574922, MONDO:0017990.
Cardiomyopathy (CMYO). Also called: Cardiomyopathies. Identifiers: Orphanet 167848, MedGen C0878544, MONDO:0004994, HP:0001638. Inheritance: Various modes of inheritance.
Catecholaminergic polymorphic ventricular tachycardia 1. Also called: VENTRICULAR TACHYCARDIA, CATECHOLAMINERGIC POLYMORPHIC, 1, WITH OR WITHOUT ATRIAL DYSFUNCTION AND/OR DILATED CARDIOMYOPATHY; RYR2-Related Catecholaminergic Polymorphic Ventricular Tachycardia; VENTRICULAR TACHYCARDIA, STRESS-INDUCED POLYMORPHIC 1. Identifiers: Orphanet 3286, MedGen C1631597, MONDO:0011484, OMIM 604772.

Allele frequency attached by ClinVar (database versions not stated): gnomAD exomes below 0.00001; ExAC 0.00001; gnomAD 0.00001 and 0.00002; TOPMed 0.00001; 1000 Genomes Project 0.00020; 1000 Genomes Project 30x 0.00031.
gnomAD v4.1: 8 of 1,599,572 alleles (0.0005%); highest among the groups gnomAD compares: Admixed American, 0.012%; no homozygotes.

Submissions (4):

Labcorp Genetics (formerly Invitae), Labcorp
Classification: Likely benign for Catecholaminergic polymorphic ventricular tachycardia 1. Last evaluated: 2025-12-15. Review status: criteria provided, single submitter. Criteria: Invitae Variant Classification Sherloc (09022015). Collection method: clinical testing. Allele origin: germline.

All of Us Research Program, National Institutes of Health
Classification: Likely benign for Catecholaminergic polymorphic ventricular tachycardia. Last evaluated: 2023-08-28. Review status: criteria provided, single submitter. Criteria: ACMG Guidelines, 2015. Collection method: clinical testing. Allele origin: germline. Inheritance: Autosomal dominant inheritance. Observed: 1 variant allele, 1 heterozygote.
Comment: This study involves interpretation of variants in research participants for the purpose of population health screening. Participant phenotype was not available at the time of variant classification. Additional details can be found in publication PMID: 35346344, PMCID: PMC8962531

Color Diagnostics, LLC DBA Color Health
Classification: Likely benign for Cardiomyopathy. Last evaluated: 2019-05-11. Review status: criteria provided, single submitter. Criteria: ACMG Guidelines, 2015. Collection method: clinical testing. Allele origin: germline.

GeneDx
Classification: Likely benign. Last evaluated: 2018-04-03. Review status: criteria provided, single submitter. Criteria: GeneDx Variant Classification (06012015). Collection method: clinical testing. Allele origin: germline. Affected: yes.
Comment: This variant is considered likely benign or benign based on one or more of the following criteria: it is a conservative change, it occurs at a poorly conserved position in the protein, it is predicted to be benign by multiple in silico algorithms, and/or has population frequency not consistent with disease.

NM_001035.3(RYR2):c.10555-10T>C

Gene: RYR2 (ryanodine receptor 2; plus strand). Cytogenetic location: 1q43.
Variant type: single nucleotide variant.
Coding change: c.10555-10T>C on transcript NM_001035.3 (MANE Select); 10 bases into the intron before coding-DNA position 10555, T replaced by C.
Molecular consequence: intron variant.
Genome position (GRCh38, 1-based): chr1:237,723,118, T>C. VCF-style: chr1-237723118-T-C. GRCh37 (hg19) VCF-style: chr1-237886418-T-C.
Identifiers: ClinVar variation 681386 (VCV000681386.14), dbSNP rs540655909, ClinGen allele CA084401.